The following is an entry in ClinVar:

ClinVar aggregate classification (germline): Uncertain significance (1 of 4 stars; one submission).

Conditions:
Adams-Oliver syndrome 5 (AOS5). Identifiers: Orphanet 974, MedGen C4014970, MONDO:0014459, OMIM 616028.

Allele frequency attached by ClinVar (database versions not stated): gnomAD exomes below 0.00001.
gnomAD v4.1: 1 of 1,612,632 alleles (0.000062%); highest among the groups gnomAD compares: Non-Finnish European, 0.000085%; no homozygotes.

Submission:

Labcorp Genetics (formerly Invitae), Labcorp
Classification: Uncertain significance for Adams-Oliver syndrome 5. Last evaluated: 2021-04-03. Review status: criteria provided, single submitter. Criteria: Invitae Variant Classification Sherloc (09022015). Collection method: clinical testing. Allele origin: germline.
Comment: In summary, the available evidence is currently insufficient to determine the role of this variant in disease. Therefore, it has been classified as a Variant of Uncertain Significance. Algorithms developed to predict the effect of missense changes on protein structure and function are either unavailable or do not agree on the potential impact of this missense change (SIFT: "Deleterious"; PolyPhen-2: "Possibly Damaging"; Align-GVGD: "Class C0"). This variant has not been reported in the literature in individuals with NOTCH1-related conditions. This variant is not present in population databases (ExAC no frequency). This sequence change replaces threonine with lysine at codon 671 of the NOTCH1 protein (p.Thr671Lys). The threonine residue is highly conserved and there is a moderate physicochemical difference between threonine and lysine.

NM_017617.5(NOTCH1):c.2012C>A (p.Thr671Lys)

Gene: NOTCH1 (notch receptor 1; minus strand). Cytogenetic location: 9q34.3.
Variant type: single nucleotide variant.
Coding change: c.2012C>A on transcript NM_017617.5 (MANE Select); coding-DNA position 2012, C replaced by A.
Protein change: p.Thr671Lys; replaces threonine 671 with lysine.
Molecular consequence: missense variant.
Genome position (GRCh38, 1-based): chr9:136,515,292, G>T on the plus strand (C>A on the coding strand, the complement: NOTCH1 is on the minus strand). VCF-style: chr9-136515292-G-T. GRCh37 (hg19) VCF-style: chr9-139409744-G-T.
Other names: short protein forms T671K.
Identifiers: ClinVar variation 1384592 (VCV001384592.8), dbSNP rs2133362310, ClinGen allele CA375559039.
Genomic context (GRCh38, chr9:136,515,292, plus strand): 5'-TGGCTGACCTTGACCTCTGAGCACAGTGCAGTCAGCCCCCACGTGCAGGGCCGCTCACCT[G>T]TGTAGCCCGGCTCACAGGCACACTCGTAGCCATCGATCTTGTCCAGACAGGTGCCCGAGT-3'
Protein context (NP_060087.3, residues 661-681): GYECACEPGY[Thr671Lys]GSMCNINIDE